The following is an entry in ClinVar:

NM_001018005.2(TPM1):c.58G>A (p.Asp20Asn)

Gene: TPM1 (tropomyosin 1; plus strand). Cytogenetic location: 15q22.2.
Variant type: single nucleotide variant.
Coding change: c.58G>A on transcript NM_001018005.2 (MANE Select); coding-DNA position 58, G replaced by A.
Protein change: p.Asp20Asn; replaces aspartic acid 20 with asparagine.
Molecular consequence: missense variant.
Genome position (GRCh38, 1-based): chr15:63,042,887, G>A. VCF-style: chr15-63042887-G-A. GRCh37 (hg19) VCF-style: chr15-63335086-G-A.
Other names: p.D20N:GAT>AAT; c.58G>A, p.Asp20Asn (NM_000366.6, NM_001018004.2, NM_001018006.2 and 7 more transcripts); short protein forms D20N.
Identifiers: ClinVar variation 177900 (VCV000177900.15), dbSNP rs727504391, ClinGen allele CA018165.

ClinVar aggregate classification (germline): Uncertain significance. Review status: criteria provided, multiple submitters, no conflicts (2 of 4 stars). 4 submissions from 4 submitters: Uncertain significance (4). Last evaluated 2025-12-15.

Conditions:
Hypertrophic cardiomyopathy. Also called: HYPERTROPHIC MYOCARDIOPATHY. Identifiers: Orphanet 217569, MedGen C0007194, MeSH D002312, MONDO:0005045, HP:0001639.

Allele frequency attached by ClinVar (database versions not stated): gnomAD exomes below 0.00001.
gnomAD v4.1: 1 of 1,613,192 alleles (0.000062%); highest among the groups gnomAD compares: Non-Finnish European, 0.000085%; no homozygotes.

Submissions (4):

Labcorp Genetics (formerly Invitae), Labcorp
Classification: Uncertain significance for Hypertrophic cardiomyopathy. Last evaluated: 2025-12-15. Review status: criteria provided, single submitter. Criteria: Invitae Variant Classification Sherloc (09022015). Collection method: clinical testing. Allele origin: germline.
Comment: This sequence change replaces aspartic acid, which is acidic and polar, with asparagine, which is neutral and polar, at codon 20 of the TPM1 protein (p.Asp20Asn). This variant is not present in population databases (gnomAD no frequency). This missense change has been observed in individuals with clinical features of hypertrophic cardiomyopathy (PMID: 25524337, 27532257, 37652022; internal data). ClinVar contains an entry for this variant (Variation ID: 177900). An algorithm developed to predict the effect of missense changes on protein structure and function (PolyPhen-2) suggests that this variant is likely to be disruptive. In summary, the available evidence is currently insufficient to determine the role of this variant in disease. Therefore, it has been classified as a Variant of Uncertain Significance.

Blueprint Genetics
Classification: Uncertain significance. Last evaluated: 2022-10-19. Review status: criteria provided, single submitter. Criteria: ACMG Guidelines, 2015. Collection method: clinical testing. Allele origin: germline.

Laboratory for Molecular Medicine, Mass General Brigham Personalized Medicine
Classification: Uncertain significance. Last evaluated: 2016-06-03. Review status: criteria provided, single submitter. Criteria: LMM Criteria. Collection method: clinical testing. Allele origin: germline. Observed: 1 variant allele.
Comment: Computational prediction tools and conservation analysis suggest that the p.Asp20Asn variant m ay impact the protein, though this information is not predictive enough to deter mine pathogenicity. In summary, the clinical significance of the p.Asp20Asn vari ant is uncertain.

GeneDx
Classification: Uncertain significance. Last evaluated: 2014-03-07. Review status: criteria provided, single submitter. Criteria: GeneDx Variant Classification (06012015). Collection method: clinical testing. Allele origin: germline. Affected: yes.
Comment: A variant of unknown significance has been identified in the TPM1 gene. The D20N variant has not been published as a mutation, nor has it been reported as a benign polymorphism to our knowledge. The D20N variant was not observed in approximately 6,500 individuals of European and African American ancestry in the NHLBI Exome Sequencing Project, indicating it is not a common benign variant in these populations. The D20N variant is a semi-conservative amino acid substitution, which may impact secondary protein structure as these residues differ in some properties. This substitution occurs at a position that is conserved across species. Furthermore, in silico analysis is inconsistent in its predictions as to whether or not the variant is damaging to the protein structure/function. Missense mutations in nearby residues (K15N, A22T) have been reported in association with cardiomyopathy, supporting the functional importance of this region of the protein. Therefore, based on the currently available information, it is unclear whether this variant is a pathogenic mutation or a rare benign variant. The variant is found in HCM panel(s).

Literature cited by the submitters: PubMed 25524337 (cited by Labcorp Genetics (formerly Invitae), Labcorp and Laboratory for Molecular Medicine, Mass General Brigham Personalized Medicine); PubMed 27532257 (cited by Labcorp Genetics (formerly Invitae), Labcorp); PubMed 37652022 (cited by Labcorp Genetics (formerly Invitae), Labcorp); PubMed 21642532 (cited by Laboratory for Molecular Medicine, Mass General Brigham Personalized Medicine).